The following is an entry in ClinVar:

NM_000117.3(EMD):c.276C>T (p.Asp92=)

Gene: EMD (emerin; plus strand). Cytogenetic location: Xq28.
Variant type: single nucleotide variant.
Coding change: c.276C>T on transcript NM_000117.3 (MANE Select); coding-DNA position 276, C replaced by T.
Protein change: p.Asp92=; no amino-acid change (aspartic acid 92 retained).
Molecular consequence: synonymous variant.
Genome position (GRCh38, 1-based): chrX:154,380,244, C>T. VCF-style: chrX-154380244-C-T. GRCh37 (hg19) VCF-style: chrX-153608604-C-T.
Identifiers: ClinVar variation 632794 (VCV000632794.20), dbSNP rs782680849, ClinGen allele CA10561566.

ClinVar aggregate classification (germline): Likely benign. Review status: criteria provided, multiple submitters, no conflicts (2 of 4 stars). 8 submissions from 8 submitters: Likely benign (5). 3 of the submissions do not count toward it. Last evaluated 2026-09-01.

Conditions:
EMD-related disorder. Also called: EMD-related condition.
Cardiovascular phenotype. Identifiers: MedGen CN230736.
X-linked Emery-Dreifuss muscular dystrophy. Also called: Muscular dystrophy, tardive Emery-Dreifuss type, with contractures. Identifiers: Orphanet 261, Orphanet 98863, MedGen C0751337, MONDO:0010680.

Allele frequency attached by ClinVar (database versions not stated): gnomAD 0.00002 and 0.00003; gnomAD exomes 0.00004 and 0.00007; ExAC 0.00005; TOPMed 0.00008; 1000 Genomes Project 30x 0.00021; 1000 Genomes Project 0.00026.

Submissions (8):

CeGaT Center for Human Genetics Tuebingen
Classification: Likely benign. Last evaluated: 2026-09-01. Review status: criteria provided, single submitter. Criteria: CeGaT Center For Human Genetics Tuebingen Variant Classification Criteria Version 2. Collection method: clinical testing. Allele origin: germline. Affected: yes. Observed: 1 variant allele.
Comment: EMD: BP4, BP7, BS2

Labcorp Genetics (formerly Invitae), Labcorp
Classification: Likely benign for X-linked Emery-Dreifuss muscular dystrophy. Last evaluated: 2025-12-08. Review status: criteria provided, single submitter. Criteria: Invitae Variant Classification Sherloc (09022015). Collection method: clinical testing. Allele origin: germline.

Blueprint Genetics
Classification: Likely benign. Last evaluated: 2024-08-06. Review status: criteria provided, single submitter. Criteria: ACMG Guidelines, 2015. Collection method: clinical testing. Allele origin: germline.

Ambry Genetics
Classification: Likely benign for Cardiovascular phenotype. Last evaluated: 2023-08-11. Review status: criteria provided, single submitter. Criteria: Ambry Variant Classification Scheme 2023. Collection method: clinical testing. Allele origin: germline.

Women's Health and Genetics/Laboratory Corporation of America, LabCorp
Classification: Likely benign. Last evaluated: 2019-08-28. Review status: criteria provided, single submitter. Criteria: LabCorp Variant Classification Summary - May 2015. Collection method: clinical testing. Allele origin: germline.

PreventionGenetics, part of Exact Sciences
Classification: Likely benign for EMD-related condition. Last evaluated: 2024-09-25. Review status: no assertion criteria provided. Collection method: clinical testing. Allele origin: germline. Not counted in ClinVar's aggregate classification.
Comment: This variant is classified as likely benign based on ACMG/AMP sequence variant interpretation guidelines (Richards et al. 2015 PMID: 25741868, with internal and published modifications).

Clinical Genetics, Academic Medical Center
Classification: Benign. Review status: no assertion criteria provided. Collection method: clinical testing. Allele origin: germline. Affected: yes. Study: VKGL Data-share Consensus. Not counted in ClinVar's aggregate classification.

Genome Diagnostics Laboratory, University Medical Center Utrecht
Classification: Likely benign. Review status: no assertion criteria provided. Collection method: clinical testing. Allele origin: germline. Affected: yes. Study: VKGL Data-share Consensus. Not counted in ClinVar's aggregate classification.